The following is an entry in ClinVar:

ClinVar aggregate classification (germline): Benign. Review status: criteria provided, single submitter (1 of 4 stars). 2 submissions from 2 submitters: Benign (1). 1 of the submissions does not count toward it. Last evaluated 2025-12-28.

Conditions:
DDB2-related disorder. Also called: DDB2-related condition.

Allele frequency attached by ClinVar (database versions not stated): gnomAD 0.00001 and 0.00013; TOPMed 0.00003; gnomAD exomes 0.00032; ExAC 0.00042; 1000 Genomes Project 30x 0.00047; 1000 Genomes Project 0.00060.

Submissions (2):

Labcorp Genetics (formerly Invitae), Labcorp
Classification: Benign. Last evaluated: 2025-12-28. Review status: criteria provided, single submitter. Criteria: Invitae Variant Classification Sherloc (09022015). Collection method: clinical testing. Allele origin: germline.

PreventionGenetics, part of Exact Sciences
Classification: Likely benign for DDB2-related condition. Last evaluated: 2019-02-19. Review status: no assertion criteria provided. Collection method: clinical testing. Allele origin: germline. Not counted in ClinVar's aggregate classification.
Comment: This variant is classified as likely benign based on ACMG/AMP sequence variant interpretation guidelines (Richards et al. 2015 PMID: 25741868, with internal and published modifications).

NM_000107.3(DDB2):c.456+8G>C

Gene: DDB2 (damage specific DNA binding protein 2; plus strand). Cytogenetic location: 11p11.2.
Variant type: single nucleotide variant.
Coding change: c.456+8G>C on transcript NM_000107.3 (MANE Select); 8 bases into the intron after coding-DNA position 456, G replaced by C.
Molecular consequence: intron variant.
Genome position (GRCh38, 1-based): chr11:47,217,057, G>C. VCF-style: chr11-47217057-G-C. GRCh37 (hg19) VCF-style: chr11-47238608-G-C.
Other names: c.456+8G>C (NM_001300734.2).
Identifiers: ClinVar variation 741999 (VCV000741999.7), dbSNP rs549726695, ClinGen allele CA5972501.